The following is an entry in ClinVar:

ClinVar aggregate classification (germline): Uncertain significance (1 of 4 stars; one submission).

Conditions:
Wilms tumor 1 (WT1). Also called: Wilms tumor, somatic. Identifiers: Orphanet 654, MedGen CN033288, MONDO:0008679, OMIM 194070.

Allele frequency attached by ClinVar (database versions not stated): TOPMed below 0.00001.

Submission:

Labcorp Genetics (formerly Invitae), Labcorp
Classification: Uncertain significance for Wilms tumor 1. Last evaluated: 2020-12-01. Review status: criteria provided, single submitter. Criteria: Invitae Variant Classification Sherloc (09022015). Collection method: clinical testing. Allele origin: germline.
Comment: In summary, the available evidence is currently insufficient to determine the role of this variant in disease. Therefore, it has been classified as a Variant of Uncertain Significance. Algorithms developed to predict the effect of missense changes on protein structure and function are either unavailable or do not agree on the potential impact of this missense change (SIFT: "Deleterious"; PolyPhen-2: "Possibly Damaging"; Align-GVGD: "Class C0"). This variant has not been reported in the literature in individuals with GPC3-related conditions. This variant is not present in population databases (ExAC no frequency). This sequence change replaces serine with arginine at codon 386 of the GPC3 protein (p.Ser386Arg). The serine residue is moderately conserved and there is a moderate physicochemical difference between serine and arginine.

NM_004484.4(GPC3):c.1158C>A (p.Ser386Arg)

Gene: GPC3 (glypican 3; minus strand). Cytogenetic location: Xq26.2.
Variant type: single nucleotide variant.
Coding change: c.1158C>A on transcript NM_004484.4 (MANE Select); coding-DNA position 1158, C replaced by A.
Protein change: p.Ser386Arg; replaces serine 386 with arginine.
Molecular consequence: missense variant.
Genome position (GRCh38, 1-based): chrX:133,699,903, G>T on the plus strand (C>A on the coding strand, the complement: GPC3 is on the minus strand). VCF-style: chrX-133699903-G-T. GRCh37 (hg19) VCF-style: chrX-132833931-G-T.
Other names: c.1227C>A, p.Ser409Arg (NM_001164617.2); c.1110C>A, p.Ser370Arg (NM_001164618.2); c.996C>A, p.Ser332Arg (NM_001164619.2); short protein forms S386R, S332R, S409R, S370R.
Identifiers: ClinVar variation 935290 (VCV000935290.10), dbSNP rs1317567175, ClinGen allele CA414699396.